The following is an entry in ClinVar:

NM_000038.6(APC):c.2909_2911del (p.Ser970_Asp971delinsAsn)

Gene: APC (APC regulator of Wnt signaling pathway; plus strand). Cytogenetic location: 5q22.2.
Variant type: Deletion.
Coding change: c.2909_2911del on transcript NM_000038.6 (MANE Select); coding-DNA positions 2909 to 2911, 3 bases deleted (GTG; older notation c.2909_2911delGTG).
Protein change: p.Ser970_Asp971delinsAsn.
Molecular consequence: inframe indel. On other transcripts: non-coding transcript variant (2).
Genome position (GRCh38, 1-based): chr5:112,838,503-112,838,505, GTG deleted. VCF-style (leftmost placement, unchanged base first): chr5-112838502-AGTG-A. GRCh37 (hg19) VCF-style: chr5-112174199-AGTG-A.
Other names: c.2909_2911del, p.Ser970_Asp971delinsAsn (NM_001127510.3, NM_001354895.2, NM_001407450.1); c.2855_2857del, p.Ser952_Asp953delinsAsn (NM_001127511.3); c.2963_2965del, p.Ser988_Asp989delinsAsn (NM_001354896.2, NM_001407447.1, NM_001407448.1 and 1 more transcripts); c.2939_2941del, p.Ser980_Asp981delinsAsn (NM_001354897.2); c.2834_2836del, p.Ser945_Asp946delinsAsn (NM_001354898.2); c.2825_2827del, p.Ser942_Asp943delinsAsn (NM_001354899.2); c.2786_2788del, p.Ser929_Asp930delinsAsn (NM_001354900.2); c.2732_2734del, p.Ser911_Asp912delinsAsn (NM_001354901.2, NM_001407453.1); and 11 more.
Identifiers: ClinVar variation 2774878 (VCV002774878.2), dbSNP rs2533458607, ClinGen allele CA2697546210.
Genomic context (GRCh38, chr5:112,838,502, plus strand): 5'-CCTTATGCCAAATTAGAATACAAGAGATCTTCAAATGATAGTTTAAATAGTGTCAGTAGT[AGTG>A]ATGGTTATGGTAAAAGAGGTCAAATGAAACCCTCGATTGAATCCTATTCTGAAGATGATG-3'

ClinVar aggregate classification (germline): Uncertain significance (1 of 4 stars; one submission).

Conditions:
Hereditary cancer-predisposing syndrome. Also called: Neoplastic Syndromes, Hereditary; Tumor predisposition; Hereditary Cancer Syndrome; Hereditary neoplastic syndrome. Identifiers: Orphanet 140162, MedGen C0027672, MeSH D009386, MONDO:0015356.

Submission:

Color Diagnostics, LLC DBA Color Health
Classification: Uncertain significance for Hereditary cancer-predisposing syndrome. Last evaluated: 2023-01-23. Review status: criteria provided, single submitter. Criteria: ACMG Guidelines, 2015. Collection method: clinical testing. Allele origin: germline.
Comment: This variant is a two amino acid indel located in the APC protein. To our knowledge, functional studies have not been reported for this variant. This variant has not been reported in individuals affected with APC-related disorders in the literature. This variant has not been identified in the general population by the Genome Aggregation Database (gnomAD). The available evidence is insufficient to determine the role of this variant in disease conclusively. Therefore, this variant is classified as a Variant of Uncertain Significance.